The following is an entry in ClinVar:

NM_005560.6(LAMA5):c.11014C>T (p.Arg3672Trp)

Gene: LAMA5 (laminin subunit alpha 5; minus strand). Cytogenetic location: 20q13.33.
Variant type: single nucleotide variant.
Coding change: c.11014C>T on transcript NM_005560.6 (MANE Select); coding-DNA position 11014, C replaced by T.
Protein change: p.Arg3672Trp; replaces arginine 3672 with tryptophan.
Molecular consequence: missense variant.
Genome position (GRCh38, 1-based): chr20:62,309,410, G>A on the plus strand (C>T on the coding strand, the complement: LAMA5 is on the minus strand). VCF-style: chr20-62309410-G-A. GRCh37 (hg19) VCF-style: chr20-60884466-G-A.
Other names: c.11014C>T (NM_005560.3); short protein forms R3672W.
Identifiers: ClinVar variation 2164307 (VCV002164307.7), dbSNP rs202130407, ClinGen allele CA9939481.

ClinVar aggregate classification (germline): Conflicting classifications of pathogenicity. Review status: criteria provided, conflicting classifications (1 of 4 stars). 3 submissions from 3 submitters: Uncertain significance (2); Likely benign (1). Last evaluated 2025-09-01.

Conditions:
Inborn genetic diseases. Identifiers: MedGen C0950123, MeSH D030342.

Allele frequency attached by ClinVar (database versions not stated): ExAC 0.00027; TOPMed 0.00092; 1000 Genomes Project 0.00020; ESP Exome Variant Server 0.00040; gnomAD 0.00072; 1000 Genomes Project 30x 0.00047.
gnomAD v4.1: 224 of 1,585,674 alleles (0.014%); highest among the groups gnomAD compares: African/African-American, 0.24%; no homozygotes.

Submissions (3):

Labcorp Genetics (formerly Invitae), Labcorp
Classification: Likely benign. Last evaluated: 2025-09-01. Review status: criteria provided, single submitter. Criteria: Invitae Variant Classification Sherloc (09022015). Collection method: clinical testing. Allele origin: germline.

GeneDx
Classification: Uncertain significance. Last evaluated: 2025-08-12. Review status: criteria provided, single submitter. Criteria: GeneDx Variant Classification Process June 2021. Collection method: clinical testing. Allele origin: germline. Affected: yes.
Comment: In silico analysis supports that this missense variant has a deleterious effect on protein structure/function; Has not been previously published as pathogenic or benign to our knowledge

Ambry Genetics
Classification: Uncertain significance for Inborn genetic diseases. Last evaluated: 2023-04-18. Review status: criteria provided, single submitter. Criteria: Ambry Variant Classification Scheme 2023. Collection method: clinical testing. Allele origin: germline.